The following is an entry in ClinVar:

NM_002474.3(MYH11):c.727-8G>T

Gene: MYH11 (myosin heavy chain 11; minus strand). Cytogenetic location: 16p13.11.
Variant type: single nucleotide variant.
Coding change: c.727-8G>T on transcript NM_002474.3 (MANE Select); 8 bases into the intron before coding-DNA position 727, G replaced by T.
Molecular consequence: intron variant.
Genome position (GRCh38, 1-based): chr16:15,778,851, C>A on the plus strand (G>T on the coding strand, the complement: MYH11 is on the minus strand). VCF-style: chr16-15778851-C-A. GRCh37 (hg19) VCF-style: chr16-15872708-C-A.
Other names: c.727-8G>T (NM_022844.3); c.748-8G>T (NM_001040114.2, NM_001040113.2).
Identifiers: ClinVar variation 2773869 (VCV002773869.2), dbSNP rs1211905522, ClinGen allele CA2697555686.

ClinVar aggregate classification (germline): Uncertain significance (1 of 4 stars; one submission).

Conditions:
Familial thoracic aortic aneurysm and aortic dissection (TAAD). Also called: Thoracic aortic aneurysms and dissections. Identifiers: Orphanet 91387, MedGen C4707243, MONDO:0019625.

Submission:

Color Diagnostics, LLC DBA Color Health
Classification: Uncertain significance for Familial thoracic aortic aneurysm and aortic dissection. Last evaluated: 2022-02-25. Review status: criteria provided, single submitter. Criteria: ACMG Guidelines, 2015. Collection method: clinical testing. Allele origin: germline.
Comment: This variant causes a G to T nucleotide substitution at the -8 position of intron 7 of the MYH11 gene. Splice prediction tools and conservation analysis are inconclusive regarding the impact of this variant on RNA splicing. To our knowledge, functional studies have not been reported for this variant. This variant has not been reported in individuals affected with cardiovascular disorders in the literature. This variant has not been identified in the general population by the Genome Aggregation Database (gnomAD). The available evidence is insufficient to determine the role of this variant in disease conclusively. Therefore, this variant is classified as a Variant of Uncertain Significance.